The following is an entry in ClinVar:

ClinVar aggregate classification (germline): Uncertain significance (1 of 4 stars; one submission).

Conditions:
Inborn genetic diseases. Identifiers: MedGen C0950123, MeSH D030342.

Submission:

Ambry Genetics
Classification: Uncertain significance for Inborn genetic diseases. Last evaluated: 2026-05-14. Review status: criteria provided, single submitter. Criteria: Ambry Variant Classification Scheme 2023. Collection method: clinical testing. Allele origin: germline.
Comment: The p.V395I variant (also known as c.1183G>A), located in coding exon 1 of the SAMD9 gene, results from a G to A substitution at nucleotide position 1183. The valine at codon 395 is replaced by isoleucine, an amino acid with highly similar properties. This amino acid position is conserved. In addition, this alteration is predicted to be tolerated by in silico analysis. Based on the available evidence, the clinical significance of this variant remains unclear.

NM_017654.4(SAMD9):c.1183G>A (p.Val395Ile)

Gene: SAMD9 (sterile alpha motif domain containing 9; minus strand). Cytogenetic location: 7q21.2.
Variant type: single nucleotide variant.
Coding change: c.1183G>A on transcript NM_017654.4 (MANE Select); coding-DNA position 1183, G replaced by A.
Protein change: p.Val395Ile; replaces valine 395 with isoleucine.
Molecular consequence: missense variant.
Genome position (GRCh38, 1-based): chr7:93,104,915, C>T on the plus strand (G>A on the coding strand, the complement: SAMD9 is on the minus strand). VCF-style: chr7-93104915-C-T. GRCh37 (hg19) VCF-style: chr7-92734228-C-T.
Other names: c.1183G>A, p.Val395Ile (NM_001193307.2); short protein forms V395I.
Identifiers: ClinVar variation 4863854 (VCV004863854.1).